The following is an entry in ClinVar:

ClinVar aggregate classification (germline): Uncertain significance (1 of 4 stars; one submission).

Conditions:
DOCK2 deficiency. Also called: Immunodeficiency 40. Identifiers: Orphanet 447737, MedGen C4225328, MONDO:0014637, OMIM 616433.

Allele frequency attached by ClinVar (database versions not stated): gnomAD 0.00001; gnomAD exomes 0.00001.
gnomAD v4.1: 12 of 1,613,846 alleles (0.00074%); highest among the groups gnomAD compares: African/African-American, 0.0013%; no homozygotes.

Submission:

Baylor Genetics
Classification: Uncertain significance for DOCK2 deficiency. Last evaluated: 2019-12-30. Review status: criteria provided, single submitter. Criteria: ACMG Guidelines, 2015. Collection method: clinical testing. Allele origin: unknown. Affected: yes.
Comment: This variant was determined to be of uncertain significance according to ACMG Guidelines, 2015 [PMID:25741868].

NM_004946.3(DOCK2):c.1936G>A (p.Val646Met)

Gene: DOCK2 (dedicator of cytokinesis 2; plus strand). Cytogenetic location: 5q35.1.
Variant type: single nucleotide variant.
Coding change: c.1936G>A on transcript NM_004946.3 (MANE Select); coding-DNA position 1936, G replaced by A.
Protein change: p.Val646Met; replaces valine 646 with methionine.
Molecular consequence: missense variant. On other transcripts: non-coding transcript variant (1).
Genome position (GRCh38, 1-based): chr5:169,714,452, G>A. VCF-style: chr5-169714452-G-A. GRCh37 (hg19) VCF-style: chr5-169141456-G-A.
Other names: short protein forms V646M.
Identifiers: ClinVar variation 1028313 (VCV001028313.1), dbSNP rs1389121134, ClinGen allele CA362108273.